The following is an entry in ClinVar:

ClinVar aggregate classification (germline): Uncertain significance (1 of 4 stars; one submission).

Conditions:
Mosaic variegated aneuploidy syndrome 1 (MVA1). Also called: Warburton-Anyane-Yeboa syndrome. Identifiers: Orphanet 1052, MedGen C1850343, MONDO:0009759, OMIM 257300.

Allele frequency attached by ClinVar (database versions not stated): ExAC 0.00001; gnomAD 0.00001; TOPMed 0.00001; ESP Exome Variant Server 0.00008; 1000 Genomes Project 30x 0.00016; 1000 Genomes Project 0.00020.
gnomAD v4.1: 26 of 1,610,806 alleles (0.0016%); highest among the groups gnomAD compares: South Asian, 0.0033%; no homozygotes.

Submission:

Labcorp Genetics (formerly Invitae), Labcorp
Classification: Uncertain significance for Mosaic variegated aneuploidy syndrome 1. Last evaluated: 2022-01-28. Review status: criteria provided, single submitter. Criteria: Invitae Variant Classification Sherloc (09022015). Collection method: clinical testing. Allele origin: germline.
Comment: In summary, the available evidence is currently insufficient to determine the role of this variant in disease. Therefore, it has been classified as a Variant of Uncertain Significance. Variants that disrupt the consensus splice site are a relatively common cause of aberrant splicing (PMID: 17576681, 9536098). Algorithms developed to predict the effect of sequence changes on RNA splicing suggest that this variant may disrupt the consensus splice site. ClinVar contains an entry for this variant (Variation ID: 575626). This variant has not been reported in the literature in individuals affected with BUB1B-related conditions. The frequency data for this variant in the population databases is considered unreliable, as metrics indicate poor data quality at this position in the gnomAD database. This sequence change falls in intron 13 of the BUB1B gene. It does not directly change the encoded amino acid sequence of the BUB1B protein. It affects a nucleotide within the consensus splice site.

Literature cited by the submitters: PubMed 17576681; PubMed 9536098.

NM_001211.6(BUB1B):c.1628+5G>A

Gene: BUB1B (BUB1 mitotic checkpoint serine/threonine kinase B; plus strand). Cytogenetic location: 15q15.1.
Variant type: single nucleotide variant.
Coding change: c.1628+5G>A on transcript NM_001211.6 (MANE Select); 5 bases into the intron after coding-DNA position 1628, G replaced by A.
Molecular consequence: intron variant.
Genome position (GRCh38, 1-based): chr15:40,202,470, G>A. VCF-style: chr15-40202470-G-A. GRCh37 (hg19) VCF-style: chr15-40494671-G-A.
Identifiers: ClinVar variation 575626 (VCV000575626.9), dbSNP rs368202270, ClinGen allele CA7475820.